The following is an entry in ClinVar:

NM_001029883.3(PCARE):c.3735G>C (p.Gln1245His)

Gene: PCARE (photoreceptor cilium actin regulator; minus strand). Cytogenetic location: 2p23.2.
Variant type: single nucleotide variant.
Coding change: c.3735G>C on transcript NM_001029883.3 (MANE Select); coding-DNA position 3735, G replaced by C.
Protein change: p.Gln1245His; replaces glutamine 1245 with histidine.
Molecular consequence: missense variant.
Genome position (GRCh38, 1-based): chr2:29,065,001, C>G on the plus strand (G>C on the coding strand, the complement: PCARE is on the minus strand). VCF-style: chr2-29065001-C-G. GRCh37 (hg19) VCF-style: chr2-29287867-C-G.
Other names: short protein forms Q1245H.
Identifiers: ClinVar variation 850861 (VCV000850861.8), dbSNP rs368860499, ClinGen allele CA1591838.

ClinVar aggregate classification (germline): Conflicting classifications of pathogenicity. Review status: criteria provided, conflicting classifications (1 of 4 stars). 2 submissions from 2 submitters: Uncertain significance (1); Likely benign (1). Last evaluated 2024-12-02.

Allele frequency attached by ClinVar (database versions not stated): gnomAD exomes 0.00001 and 0.00005; ExAC 0.00006; TOPMed 0.00015; gnomAD 0.00017.

Submissions (2):

Labcorp Genetics (formerly Invitae), Labcorp
Classification: Uncertain significance. Last evaluated: 2024-12-02. Review status: criteria provided, single submitter. Criteria: Invitae Variant Classification Sherloc (09022015). Collection method: clinical testing. Allele origin: germline.
Comment: This sequence change replaces glutamine, which is neutral and polar, with histidine, which is basic and polar, at codon 1245 of the PCARE protein (p.Gln1245His). This variant is present in population databases (rs368860499, gnomAD 0.03%). This variant has not been reported in the literature in individuals affected with PCARE-related conditions. ClinVar contains an entry for this variant (Variation ID: 850861). An algorithm developed to predict the effect of missense changes on protein structure and function (PolyPhen-2) suggests that this variant is likely to be disruptive. In summary, the available evidence is currently insufficient to determine the role of this variant in disease. Therefore, it has been classified as a Variant of Uncertain Significance.

Blueprint Genetics
Classification: Likely benign. Last evaluated: 2022-09-21. Review status: criteria provided, single submitter. Criteria: ACMG Guidelines, 2015. Collection method: clinical testing. Allele origin: germline.